The following is an entry in ClinVar:

NM_052947.4(ALPK2):c.2479G>T (p.Val827Phe)

Gene: ALPK2 (alpha kinase 2; minus strand). Cytogenetic location: 18q21.31.
Variant type: single nucleotide variant.
Coding change: c.2479G>T on transcript NM_052947.4 (MANE Select); coding-DNA position 2479, G replaced by T.
Protein change: p.Val827Phe; replaces valine 827 with phenylalanine.
Molecular consequence: missense variant.
Genome position (GRCh38, 1-based): chr18:58,537,708, C>A on the plus strand (G>T on the coding strand, the complement: ALPK2 is on the minus strand). VCF-style: chr18-58537708-C-A. GRCh37 (hg19) VCF-style: chr18-56204940-C-A.
Other names: short protein forms V827F.
Identifiers: ClinVar variation 3529970 (VCV003529970.1).
Genomic context (GRCh38, chr18:58,537,708, plus strand): 5'-TTTGACCTTCTGCCAGTTCCGTATCTACAGAGCAAATTTCTTGAGGCGAATATTTATCAA[C>A]TGGTCTCCCAACAAGAGAATCTATGGTATCAAAACACGTTCCTTGGTCACCAGCCTCAAA-3'
Protein context (NP_443179.3, residues 817-837): DTIDSLVGRP[Val827Phe]DKYSPQEICS

ClinVar aggregate classification (germline): Uncertain significance (1 of 4 stars; one submission).

Submission:

Ambry Genetics
Classification: Uncertain significance. Last evaluated: 2024-08-03. Review status: criteria provided, single submitter. Criteria: Ambry Variant Classification Scheme 2023. Collection method: clinical testing. Allele origin: germline.
Comment: The p.V827F variant (also known as c.2479G>T), located in coding exon 4 of the ALPK2 gene, results from a G to T substitution at nucleotide position 2479. The valine at codon 827 is replaced by phenylalanine, an amino acid with highly similar properties. This amino acid position is conserved. In addition, this alteration is predicted to be tolerated by in silico analysis. Based on the available evidence, the clinical significance of this variant remains unclear.